The following is an entry in ClinVar:

ClinVar aggregate classification (germline): Uncertain significance. Review status: criteria provided, multiple submitters, no conflicts (2 of 4 stars). 4 submissions from 4 submitters: Uncertain significance (4). Last evaluated 2025-06-07.

Conditions:
Myopathy, proximal, and ophthalmoplegia (CMYO6). Also called: INCLUSION BODY MYOPATHY 3, AUTOSOMAL DOMINANT; MYOPATHY WITH CONGENITAL JOINT CONTRACTURES, OPHTHALMOPLEGIA, AND RIMMED VACUOLES; CONGENITAL MYOPATHY 6 WITH OPHTHALMOPLEGIA. Identifiers: Orphanet 363677, Orphanet 79091, MedGen C1854106, MONDO:0011577, OMIM 605637.
Inborn genetic diseases. Identifiers: MedGen C0950123, MeSH D030342.

Allele frequency attached by ClinVar (database versions not stated): TOPMed below 0.00001; gnomAD 0.00001; gnomAD exomes below 0.00001.
gnomAD v4.1: 10 of 1,614,020 alleles (0.00062%); highest among the groups gnomAD compares: Middle Eastern, 0.016%; 1 homozygote.

Submissions (4):

Ambry Genetics
Classification: Uncertain significance for Inborn genetic diseases. Last evaluated: 2025-06-07. Review status: criteria provided, single submitter. Criteria: Ambry Variant Classification Scheme 2023. Collection method: clinical testing. Allele origin: germline.

Revvity Omics, Revvity
Classification: Uncertain significance for Myopathy, proximal, and ophthalmoplegia. Last evaluated: 2025-03-28. Review status: criteria provided, single submitter. Criteria: ACMG Guidelines, 2015. Collection method: clinical testing. Allele origin: germline.

GeneDx
Classification: Uncertain significance. Last evaluated: 2023-09-01. Review status: criteria provided, single submitter. Criteria: GeneDx Variant Classification Process June 2021. Collection method: clinical testing. Allele origin: germline.
Comment: Not observed at significant frequency in large population cohorts (gnomAD); In silico analysis supports that this missense variant has a deleterious effect on protein structure/function; Has not been previously published as pathogenic or benign to our knowledge

Illumina Laboratory Services, Illumina
Classification: Uncertain significance for Myopathy, proximal, and ophthalmoplegia. Last evaluated: 2018-01-13. Review status: criteria provided, single submitter. Criteria: ICSL Variant Classification Criteria 13 December 2019. Collection method: clinical testing. Allele origin: germline.

NM_017534.6(MYH2):c.2468A>G (p.Asn823Ser)

Genes: MYH2 (myosin heavy chain 2; minus strand), MYHAS (myosin heavy chain gene cluster antisense RNA; plus strand). Cytogenetic location: 17p13.1.
Variant type: single nucleotide variant.
Coding change: c.2468A>G on transcript NM_017534.6 (MANE Select); coding-DNA position 2468, A replaced by G.
Protein change: p.Asn823Ser; replaces asparagine 823 with serine.
Molecular consequence: missense variant.
Genome position (GRCh38, 1-based): chr17:10,531,862, T>C on the plus strand (A>G on the coding strand, the complement: MYH2 is on the minus strand). VCF-style: chr17-10531862-T-C. GRCh37 (hg19) VCF-style: chr17-10435179-T-C.
Other names: c.2468A>G, p.Asn823Ser (NM_001100112.2); short protein forms N823S.
Identifiers: ClinVar variation 885668 (VCV000885668.8), dbSNP rs1378547305, ClinGen allele CA398146665.